The following is an entry in ClinVar:

NM_001278116.2(L1CAM):c.2722G>A (p.Glu908Lys)

Gene: L1CAM (L1 cell adhesion molecule; minus strand). Cytogenetic location: Xq28.
Variant type: single nucleotide variant.
Coding change: c.2722G>A on transcript NM_001278116.2 (MANE Select); coding-DNA position 2722, G replaced by A.
Protein change: p.Glu908Lys; replaces glutamic acid 908 with lysine.
Molecular consequence: missense variant.
Genome position (GRCh38, 1-based): chrX:153,865,326, C>T on the plus strand (G>A on the coding strand, the complement: L1CAM is on the minus strand). VCF-style: chrX-153865326-C-T. GRCh37 (hg19) VCF-style: chrX-153130781-C-T.
Other names: c.2722G>A, p.Glu908Lys (NM_000425.5, NM_024003.3); c.2707G>A, p.Glu903Lys (NM_001143963.2); short protein forms E908K, E903K.
Identifiers: ClinVar variation 1344942 (VCV001344942.5), dbSNP rs199822230, ClinGen allele CA10554116.
Genomic context (GRCh38, chrX:153,865,326, plus strand): 5'-GGCAGGGGATGAGGCGTGGGGTGCAGGACTCACCTCCCTCTGGGGTGCTGAAGGTGAACT[C>T]GCTGGCGGGCCCCGATCCTCGCCCGTTAAAGGCCTGCACCTCCAGGTGGTAGGAGCTATA-3'
Protein context (NP_001265045.1, residues 898-918): FNGRGSGPAS[Glu908Lys]FTFSTPEGVP

ClinVar aggregate classification (germline): Conflicting classifications of pathogenicity. Review status: criteria provided, conflicting classifications (1 of 4 stars). 2 submissions from 2 submitters: Uncertain significance (1); Likely benign (1). Last evaluated 2024-02-17.

Conditions:
Spastic paraplegia. Identifiers: MedGen C0037772, HP:0001258.

Allele frequency attached by ClinVar (database versions not stated): TOPMed below 0.00001; ExAC 0.00001; gnomAD 0.00001; gnomAD exomes 0.00001 and 0.00002.
gnomAD v4.1: 8 of 1,209,015 alleles (0.00066%); highest among the groups gnomAD compares: Admixed American, 0.0044%; no homozygotes.

Submissions (2):

Labcorp Genetics (formerly Invitae), Labcorp
Classification: Likely benign for Spastic paraplegia. Last evaluated: 2024-02-17. Review status: criteria provided, single submitter. Criteria: Invitae Variant Classification Sherloc (09022015). Collection method: clinical testing. Allele origin: germline.

GeneDx
Classification: Uncertain significance. Last evaluated: 2022-03-15. Review status: criteria provided, single submitter. Criteria: GeneDx Variant Classification Process June 2021. Collection method: clinical testing. Allele origin: germline. Affected: yes.
Comment: In silico analysis supports that this missense variant does not alter protein structure/function; Has not been previously published as pathogenic or benign to our knowledge